The following is an entry in ClinVar:

ClinVar aggregate classification (germline): Uncertain significance (1 of 4 stars; one submission).

Conditions:
Neuropathy, hereditary sensory, type 2C. Also called: Hereditary sensory and autonomic neuropathy type IIC; KIF1A-Related HSAN2 (HSAN2C). Identifiers: Orphanet 970, MedGen C3280168, MONDO:0013634, OMIM 614213.
Intellectual disability, autosomal dominant 9 (NESCAVS). Also called: KIF1A-Related Neurodevelopmental Disorder; NESCAV SYNDROME. Identifiers: Orphanet 662367, MedGen C5393830, MONDO:0013656, OMIM 614255.
Hereditary spastic paraplegia 30. Identifiers: Orphanet 101010, MedGen C5235139, MONDO:0012476.

Submission:

Labcorp Genetics (formerly Invitae), Labcorp
Classification: Uncertain significance for Hereditary spastic paraplegia 30; Neuropathy, hereditary sensory, type 2C; Intellectual disability, autosomal dominant 9. Last evaluated: 2022-03-19. Review status: criteria provided, single submitter. Criteria: Invitae Variant Classification Sherloc (09022015). Collection method: clinical testing. Allele origin: germline.
Comment: This variant, c.334_336del, results in the deletion of 1 amino acid(s) of the KIF1A protein (p.Glu112del), but otherwise preserves the integrity of the reading frame. In summary, the available evidence is currently insufficient to determine the role of this variant in disease. Therefore, it has been classified as a Variant of Uncertain Significance. Experimental studies and prediction algorithms are not available or were not evaluated, and the functional significance of this variant is currently unknown. ClinVar contains an entry for this variant (Variation ID: 1043130). This variant has not been reported in the literature in individuals affected with KIF1A-related conditions. This variant is not present in population databases (gnomAD no frequency).

NM_001244008.2(KIF1A):c.334_336del (p.Glu112del)

Gene: KIF1A (kinesin family member 1A; minus strand). Cytogenetic location: 2q37.3.
Variant type: Deletion.
Coding change: c.334_336del on transcript NM_001244008.2 (MANE Select); coding-DNA positions 334 to 336, 3 bases deleted (GAG; older notation c.334_336delGAG).
Protein change: p.Glu112del; deletes glutamic acid 112.
Molecular consequence: inframe deletion.
Genome position (GRCh38, 1-based): chr2:240,788,078-240,788,080, CTC deleted on the plus strand (GAG on the coding strand, the reverse complement: KIF1A is on the minus strand); deleting any 3 consecutive bases within chr2:240,788,078-240,788,082 gives the same sequence; the c. name uses the placement nearest the transcript's 3' end. VCF-style (leftmost placement, unchanged base first): chr2-240788077-TCTC-T. GRCh37 (hg19) VCF-style: chr2-241727494-TCTC-T.
Other names: c.334_336del, p.Glu112del (NM_001320705.2, NM_001330289.2, NM_001330290.2 and 20 more transcripts); short protein forms E112del.
Identifiers: ClinVar variation 1043130 (VCV001043130.9), dbSNP rs2055179296, ClinGen allele CA1339291431.